The following is an entry in ClinVar:

ClinVar aggregate classification (germline): Likely benign (1 of 4 stars; one submission).

Conditions:
Autosomal recessive proximal renal tubular acidosis (PRTAO). Also called: RENAL TUBULAR ACIDOSIS, PROXIMAL, WITH OCULAR ABNORMALITIES AND IMPAIRED INTELLECTUAL DEVELOPMENT; RENAL TUBULAR ACIDOSIS, PROXIMAL, WITH OCULAR ABNORMALITIES AND MENTAL RETARDATION; RTA, PROXIMAL, AUTOSOMAL RECESSIVE; PROXIMAL RENAL TUBULAR ACIDOSIS-OCULAR ANOMALY SYNDROME. Identifiers: Orphanet 93607, MedGen C1970309, MONDO:0011422, OMIM 604278.

Allele frequency attached by ClinVar (database versions not stated): gnomAD 0.00707 and 0.00736; TOPMed 0.00747; 1000 Genomes Project 0.01038; 1000 Genomes Project 30x 0.01109.

Submission:

Illumina Laboratory Services, Illumina
Classification: Likely benign for Autosomal recessive proximal renal tubular acidosis. Last evaluated: 2017-04-27. Review status: criteria provided, single submitter. Criteria: ICSL Variant Classification Criteria 13 December 2019. Collection method: clinical testing. Allele origin: germline.
Comment: This variant was observed as part of a predisposition screen in an ostensibly healthy population. A literature search was performed for the gene, cDNA change, and amino acid change (where applicable). No publications were found based on this search. Allele frequency data from public databases allowed determination this variant is unlikely to cause disease. Therefore, this variant is classified as likely benign.

NM_001098484.3(SLC4A4):c.*2428T>C

Gene: SLC4A4 (solute carrier family 4 member 4; plus strand). Cytogenetic location: 4q13.3.
Variant type: single nucleotide variant.
Coding change: c.*2428T>C on transcript NM_001098484.3 (MANE Select); 2428 bases downstream of the stop codon, T replaced by C.
Molecular consequence: 3 prime UTR variant.
Genome position (GRCh38, 1-based): chr4:71,570,179, T>C. VCF-style: chr4-71570179-T-C. GRCh37 (hg19) VCF-style: chr4-72435896-T-C.
Other names: c.*2286T>C (NM_001134742.2); c.*2428T>C (NM_003759.4).
Identifiers: ClinVar variation 904594 (VCV000904594.4), dbSNP rs114778480, ClinGen allele CA99475932.
Genomic context (GRCh38, chr4:71,570,179, plus strand): 5'-CTTTTGTTTTATAAAAGCTCTAGATAAAACTTTCTTTTCTGATCATGAATCAAGTATCTG[T>C]GGTTTCATGCCCCTCTCTATACCTTTCAAAGAACTCCTGAAGCAACTTAACTCATCATTT-3'